The following is an entry in ClinVar:

NM_001005242.3(PKP2):c.164G>T (p.Arg55Leu)

Gene: PKP2 (plakophilin 2; minus strand). Cytogenetic location: 12p11.21.
Variant type: single nucleotide variant.
Coding change: c.164G>T on transcript NM_001005242.3 (MANE Select); coding-DNA position 164, G replaced by T.
Protein change: p.Arg55Leu; replaces arginine 55 with leucine.
Molecular consequence: missense variant.
Genome position (GRCh38, 1-based): chr12:32,896,568, C>A on the plus strand (G>T on the coding strand, the complement: PKP2 is on the minus strand). VCF-style: chr12-32896568-C-A. GRCh37 (hg19) VCF-style: chr12-33049502-C-A.
Other names: c.164G>T, p.Arg55Leu (NM_001407155.1, NM_001407156.1, NM_001407157.1 and 2 more transcripts); c.-663G>T (NM_001407158.1, NM_001407162.1); c.-427G>T (NM_001407159.1, NM_001407160.1); short protein forms R55L.
Identifiers: ClinVar variation 1777233 (VCV001777233.4), dbSNP rs1157824373, ClinGen allele CA384370954.
Genomic context (GRCh38, chr12:32,896,568, plus strand): 5'-CCGTTGCCCACGGAGCTGCGGCCCTTCCGGGCGAGGGTCTGCTGCACCTGCTCCTGGATC[C>A]GCAGGCTCTTGACTGTCTGGCCGCCGCGGCCGCTGCTCCCCGCCAGCTTCAGCTTGGCCT-3'
Protein context (NP_001005242.2, residues 45-65): GRGGQTVKSL[Arg55Leu]IQEQVQQTLA

ClinVar aggregate classification (germline): Uncertain significance. Review status: criteria provided, multiple submitters, no conflicts (2 of 4 stars). 3 submissions from 3 submitters: Uncertain significance (3). Last evaluated 2025-11-09.

Conditions:
Cardiovascular phenotype. Identifiers: MedGen CN230736.
Arrhythmogenic right ventricular cardiomyopathy (ARVD). Also called: Cardiomyopathy, ARVC; Arrhythmogenic right ventricular dysplasia; Arrhythmogenic cardiomyopathy; Arrhythmogenic Right Ventricular Cardiomyopathy (ARVC). Identifiers: Orphanet 247, MedGen C0349788, MeSH D019571, MONDO:0016587. Disease mechanism: loss of function. Inheritance: Various modes of inheritance.
Arrhythmogenic right ventricular dysplasia 9 (ARVD9). Also called: Arrhythmogenic Right Ventricular Dysplasia/Cardiomyopathy 9; ARRHYTHMOGENIC RIGHT VENTRICULAR DYSPLASIA, FAMILIAL, 9. Identifiers: MedGen C1836906, MONDO:0012180, OMIM 609040.

Allele frequency attached by ClinVar (database versions not stated): gnomAD exomes below 0.00001.
gnomAD v4.1: 3 of 1,590,398 alleles (0.00019%); highest among the groups gnomAD compares: South Asian, 0.0033%; no homozygotes.

Submissions (3):

Labcorp Genetics (formerly Invitae), Labcorp
Classification: Uncertain significance for Arrhythmogenic right ventricular dysplasia 9. Last evaluated: 2025-11-09. Review status: criteria provided, single submitter. Criteria: Invitae Variant Classification Sherloc (09022015). Collection method: clinical testing. Allele origin: germline.
Comment: This sequence change replaces arginine, which is basic and polar, with leucine, which is neutral and non-polar, at codon 55 of the PKP2 protein (p.Arg55Leu). The frequency data for this variant in the population databases is considered unreliable, as metrics indicate poor data quality at this position in the gnomAD database. This variant has not been reported in the literature in individuals affected with PKP2-related conditions. ClinVar contains an entry for this variant (Variation ID: 1777233). An algorithm developed to predict the effect of missense changes on protein structure and function (PolyPhen-2) suggests that this variant is likely to be disruptive. In summary, the available evidence is currently insufficient to determine the role of this variant in disease. Therefore, it has been classified as a Variant of Uncertain Significance.

All of Us Research Program, National Institutes of Health
Classification: Uncertain significance for Arrhythmogenic right ventricular cardiomyopathy. Last evaluated: 2024-07-20. Review status: criteria provided, single submitter. Criteria: ACMG Guidelines, 2015. Collection method: clinical testing. Allele origin: germline. Inheritance: Autosomal dominant inheritance. Observed: 1 variant allele, 1 heterozygote.
Comment: This missense variant replaces arginine with leucine at codon 55 of the PKP2 protein. Computational prediction is inconclusive regarding the impact of this variant on protein structure and function (internally defined REVEL score threshold 0.5 < inconclusive < 0.7, PMID: 27666373). To our knowledge, functional studies have not been reported for this variant. This variant has not been reported in individuals affected with PKP2-related disorders in the literature. This variant has not been identified in the general population by the Genome Aggregation Database (gnomAD). The available evidence is insufficient to determine the role of this variant in disease conclusively. Therefore, this variant is classified as a Variant of Uncertain Significance.

This study involves interpretation of variants in research participants for the purpose of population health screening. Participant phenotype was not available at the time of variant classification. Additional details can be found in publication PMID: 35346344, PMCID: PMC8962531

Ambry Genetics
Classification: Uncertain significance for Cardiovascular phenotype. Last evaluated: 2022-04-09. Review status: criteria provided, single submitter. Criteria: Ambry Variant Classification Scheme 2023. Collection method: clinical testing. Allele origin: germline.
Comment: The p.R55L variant (also known as c.164G>T), located in coding exon 1 of the PKP2 gene, results from a G to T substitution at nucleotide position 164. The arginine at codon 55 is replaced by leucine, an amino acid with dissimilar properties. This amino acid position is conserved. In addition, the in silico prediction for this alteration is inconclusive. Since supporting evidence is limited at this time, the clinical significance of this alteration remains unclear.